The following is an entry in ClinVar:

NM_031844.3(HNRNPU):c.1940A>G (p.Glu647Gly)

Gene: HNRNPU (heterogeneous nuclear ribonucleoprotein U; minus strand). Cytogenetic location: 1q44.
Variant type: single nucleotide variant.
Coding change: c.1940A>G on transcript NM_031844.3 (MANE Select); coding-DNA position 1940, A replaced by G.
Protein change: p.Glu647Gly; replaces glutamic acid 647 with glycine.
Molecular consequence: missense variant.
Genome position (GRCh38, 1-based): chr1:244,856,131, T>C on the plus strand (A>G on the coding strand, the complement: HNRNPU is on the minus strand). VCF-style: chr1-244856131-T-C. GRCh37 (hg19) VCF-style: chr1-245019433-T-C.
Other names: c.1883A>G, p.Glu628Gly (NM_004501.3); short protein forms E628G, E647G.
Identifiers: ClinVar variation 1396227 (VCV001396227.8), dbSNP rs1680674233, ClinGen allele CA345488558.

ClinVar aggregate classification (germline): Uncertain significance (1 of 4 stars; one submission).

Conditions:
Developmental and epileptic encephalopathy, 54. Also called: HNRNPU-Related Neurodevelopmental Disorder; Epileptic encephalopathy, early infantile, 54. Identifiers: MedGen C4479319, MONDO:0033363, OMIM 617391.

Submission:

Labcorp Genetics (formerly Invitae), Labcorp
Classification: Uncertain significance for Developmental and epileptic encephalopathy, 54. Last evaluated: 2025-09-02. Review status: criteria provided, single submitter. Criteria: Invitae Variant Classification Sherloc (09022015). Collection method: clinical testing. Allele origin: germline.
Comment: This sequence change replaces glutamic acid, which is acidic and polar, with glycine, which is neutral and non-polar, at codon 647 of the HNRNPU protein (p.Glu647Gly). This variant is not present in population databases (gnomAD no frequency). This variant has not been reported in the literature in individuals affected with HNRNPU-related conditions. ClinVar contains an entry for this variant (Variation ID: 1396227). Invitae Evidence Modeling of protein sequence and biophysical properties (such as structural, functional, and spatial information, amino acid conservation, physicochemical variation, residue mobility, and thermodynamic stability) indicates that this missense variant is not expected to disrupt HNRNPU protein function with a negative predictive value of 95%. In summary, the available evidence is currently insufficient to determine the role of this variant in disease. Therefore, it has been classified as a Variant of Uncertain Significance.